The following is an entry in ClinVar:

ClinVar aggregate classification (germline): Uncertain significance. Review status: criteria provided, multiple submitters, no conflicts (2 of 4 stars). 3 submissions from 3 submitters: Uncertain significance (3). Last evaluated 2025-01-19.

Submissions (3):

Ambry Genetics
Classification: Uncertain significance. Last evaluated: 2025-01-19. Review status: criteria provided, single submitter. Criteria: Ambry Variant Classification Scheme 2023. Collection method: clinical testing. Allele origin: germline.
Comment: The p.P166S variant (also known as c.496C>T), located in coding exon 4 of the SRP72 gene, results from a C to T substitution at nucleotide position 496. The proline at codon 166 is replaced by serine, an amino acid with similar properties. This amino acid position is conserved. In addition, this alteration is predicted to be tolerated by in silico analysis. Based on the available evidence, the clinical significance of this variant remains unclear.

Labcorp Genetics (formerly Invitae), Labcorp
Classification: Uncertain significance. Last evaluated: 2024-12-31. Review status: criteria provided, single submitter. Criteria: Invitae Variant Classification Sherloc (09022015). Collection method: clinical testing. Allele origin: germline.
Comment: This sequence change replaces proline, which is neutral and non-polar, with serine, which is neutral and polar, at codon 166 of the SRP72 protein (p.Pro166Ser). This variant is not present in population databases (gnomAD no frequency). This variant has not been reported in the literature in individuals affected with SRP72-related conditions. An algorithm developed to predict the effect of missense changes on protein structure and function (PolyPhen-2) suggests that this variant is likely to be tolerated. In summary, the available evidence is currently insufficient to determine the role of this variant in disease. Therefore, it has been classified as a Variant of Uncertain Significance.

GeneDx
Classification: Uncertain significance. Last evaluated: 2023-11-17. Review status: criteria provided, single submitter. Criteria: GeneDx Variant Classification Process June 2021. Collection method: clinical testing. Allele origin: germline. Affected: yes.
Comment: Not observed at significant frequency in large population cohorts (gnomAD); In silico analysis supports that this missense variant has a deleterious effect on protein structure/function; Has not been previously published as pathogenic or benign to our knowledge

NM_006947.4(SRP72):c.496C>T (p.Pro166Ser)

Gene: SRP72 (signal recognition particle 72; plus strand). Cytogenetic location: 4q12.
Variant type: single nucleotide variant.
Coding change: c.496C>T on transcript NM_006947.4 (MANE Select); coding-DNA position 496, C replaced by T.
Protein change: p.Pro166Ser; replaces proline 166 with serine.
Molecular consequence: missense variant. On other transcripts: non-coding transcript variant (1).
Genome position (GRCh38, 1-based): chr4:56,474,195, C>T. VCF-style: chr4-56474195-C-T. GRCh37 (hg19) VCF-style: chr4-57340361-C-T.
Other names: c.496C>T, p.Pro166Ser (NM_001267722.2); short protein forms P166S.
Identifiers: ClinVar variation 3364501 (VCV003364501.4).